The following is an entry in ClinVar:

NM_000520.6(HEXA):c.325A>T (p.Thr109Ser)

Gene: HEXA (hexosaminidase subunit alpha; minus strand). Cytogenetic location: 15q23.
Variant type: single nucleotide variant.
Coding change: c.325A>T on transcript NM_000520.6 (MANE Select); coding-DNA position 325, A replaced by T.
Protein change: p.Thr109Ser; replaces threonine 109 with serine.
Molecular consequence: missense variant. On other transcripts: non-coding transcript variant (1).
Genome position (GRCh38, 1-based): chr15:72,356,546, T>A on the plus strand (A>T on the coding strand, the complement: HEXA is on the minus strand). VCF-style: chr15-72356546-T-A. GRCh37 (hg19) VCF-style: chr15-72648887-T-A.
Other names: c.358A>T, p.Thr120Ser (NM_001318825.2); short protein forms T120S, T109S.
Identifiers: ClinVar variation 1423408 (VCV001423408.5), dbSNP rs1269110075, ClinGen allele CA393067241.

ClinVar aggregate classification (germline): Uncertain significance (1 of 4 stars; one submission).

Conditions:
Tay-Sachs disease (TSD). Also called: HEXA DEFICIENCY; GM2 gangliosidosis, type 1; Hexosaminidase alpha-subunit deficiency (variant B); Sphingolipidosis, Tay-Sachs; HEXA Disorders; Hexosaminidase A Deficiency. Identifiers: Orphanet 845, MedGen C0039373, MONDO:0010100, OMIM 272800.

Allele frequency attached by ClinVar (database versions not stated): gnomAD exomes below 0.00001; TOPMed below 0.00001; gnomAD 0.00001.
gnomAD v4.1: 3 of 1,613,944 alleles (0.00019%); highest among the groups gnomAD compares: African/African-American, 0.004%; no homozygotes.

Submission:

Labcorp Genetics (formerly Invitae), Labcorp
Classification: Uncertain significance for Tay-Sachs disease. Last evaluated: 2021-10-14. Review status: criteria provided, single submitter. Criteria: Invitae Variant Classification Sherloc (09022015). Collection method: clinical testing. Allele origin: germline.
Comment: This sequence change replaces threonine with serine at codon 109 of the HEXA protein (p.Thr109Ser). The threonine residue is weakly conserved and there is a small physicochemical difference between threonine and serine. This variant is not present in population databases (ExAC no frequency). This variant has not been reported in the literature in individuals affected with HEXA-related conditions. Algorithms developed to predict the effect of missense changes on protein structure and function output the following: SIFT: "Tolerated"; PolyPhen-2: "Benign"; Align-GVGD: "Class C0". The serine amino acid residue is found in multiple mammalian species, which suggests that this missense change does not adversely affect protein function. In summary, the available evidence is currently insufficient to determine the role of this variant in disease. Therefore, it has been classified as a Variant of Uncertain Significance.